The following is an entry in ClinVar:

NM_001374828.1(ARID1B):c.3346-128TA[8]

Gene: ARID1B (AT-rich interaction domain 1B; plus strand). Cytogenetic location: 6q25.3.
Variant type: Microsatellite.
Coding change: c.3346-128TA[8] on transcript NM_001374828.1 (MANE Select); eight copies in a row of the 2-base unit TA starting at c.3346-128; the reference has 11 copies in a row; three copies, 6 bases deleted.
Molecular consequence: intron variant.
Genome position (GRCh38, 1-based): chr6:157,174,735-157,174,740, TATATA deleted; deleting any 6 consecutive bases within chr6:157,174,719-157,174,740 gives the same sequence; the position shown is the placement nearest the transcript's 3' end. VCF-style (leftmost placement, unchanged base first): chr6-157174718-TTATATA-T. GRCh37 (hg19) VCF-style: chr6-157495852-TTATATA-T.
Other names: c.3384+602TA[8] (NM_001371656.1, NM_001374820.1); c.3345+602TA[8] (NM_017519.3); c.847-128TA[8] (NM_001363725.2).
Identifiers: ClinVar variation 1723097 (VCV001723097.2), dbSNP rs1214659659, ClinGen allele CA452780487.

ClinVar aggregate classification (germline): Likely benign (1 of 4 stars; one submission).

Submission:

GeneDx
Classification: Likely benign. Last evaluated: 2021-10-23. Review status: criteria provided, single submitter. Criteria: GeneDx Variant Classification Process June 2021. Collection method: clinical testing. Allele origin: germline. Affected: yes.
Comment: See Variant Classification Assertion Criteria.